The following is an entry in ClinVar:

NM_000038.6(APC):c.1757A>G (p.Lys586Arg)

Gene: APC (APC regulator of Wnt signaling pathway; plus strand). Cytogenetic location: 5q22.2.
Variant type: single nucleotide variant.
Coding change: c.1757A>G on transcript NM_000038.6 (MANE Select); coding-DNA position 1757, A replaced by G.
Protein change: p.Lys586Arg; replaces lysine 586 with arginine.
Molecular consequence: missense variant.
Genome position (GRCh38, 1-based): chr5:112,834,964, A>G. VCF-style: chr5-112834964-A-G. GRCh37 (hg19) VCF-style: chr5-112170661-A-G.
Other names: c.1757A>G, p.Lys586Arg (NM_001127510.3, NM_001354895.2); c.1703A>G, p.Lys568Arg (NM_001127511.3); c.1811A>G, p.Lys604Arg (NM_001354896.2); c.1787A>G, p.Lys596Arg (NM_001354897.2); c.1682A>G, p.Lys561Arg (NM_001354898.2); c.1673A>G, p.Lys558Arg (NM_001354899.2); c.1634A>G, p.Lys545Arg (NM_001354900.2); c.1580A>G, p.Lys527Arg (NM_001354901.2); and 5 more; short protein forms K586R, K568R, K426R, K545R, K596R, K303R, K460R, K527R.
Identifiers: ClinVar variation 486751 (VCV000486751.12), dbSNP rs1554083104, ClinGen allele CA16025155.

ClinVar aggregate classification (germline): Uncertain significance. Review status: criteria provided, multiple submitters, no conflicts (2 of 4 stars). 2 submissions from 2 submitters: Uncertain significance (2). Last evaluated 2025-03-18.

Conditions:
Hereditary cancer-predisposing syndrome. Also called: Tumor predisposition; Hereditary Cancer Syndrome; Hereditary neoplastic syndrome; Neoplastic Syndromes, Hereditary. Identifiers: Orphanet 140162, MedGen C0027672, MeSH D009386, MONDO:0015356.
Familial adenomatous polyposis 1 (FAP1). Also called: FAMILIAL ADENOMATOUS POLYPOSIS 1, ATTENUATED; POLYPOSIS, ADENOMATOUS INTESTINAL. Identifiers: MedGen C2713442, MONDO:0021056, OMIM 175100. Disease mechanism: loss of function.

Submissions (2):

Ambry Genetics
Classification: Uncertain significance for Hereditary cancer-predisposing syndrome. Last evaluated: 2025-03-18. Review status: criteria provided, single submitter. Criteria: Ambry Variant Classification Scheme 2023. Collection method: clinical testing. Allele origin: germline.
Comment: The p.K586R variant (also known as c.1757A>G), located in coding exon 14 of the APC gene, results from an A to G substitution at nucleotide position 1757. The lysine at codon 586 is replaced by arginine, an amino acid with highly similar properties. This amino acid position is highly conserved in available vertebrate species. In addition, in silico predictors for this gene do not accurately predict pathogenicity. Missense alterations in APC are not a common cause of disease (Spier I et al. Genet Med. 2024 Feb;26(2):100992). Based on the available evidence, the clinical significance of this variant remains unclear.

Labcorp Genetics (formerly Invitae), Labcorp
Classification: Uncertain significance for Familial adenomatous polyposis 1. Last evaluated: 2021-08-30. Review status: criteria provided, single submitter. Criteria: Invitae Variant Classification Sherloc (09022015). Collection method: clinical testing. Allele origin: germline.